The following is an entry in ClinVar:

NM_000179.3(MSH6):c.787G>T (p.Val263Leu)

Gene: MSH6 (mutS homolog 6; plus strand). Cytogenetic location: 2p16.3.
Variant type: single nucleotide variant.
Coding change: c.787G>T on transcript NM_000179.3 (MANE Select); coding-DNA position 787, G replaced by T.
Protein change: p.Val263Leu; replaces valine 263 with leucine.
Molecular consequence: missense variant. On other transcripts: 5 prime UTR variant (2).
Genome position (GRCh38, 1-based): chr2:47,798,770, G>T. VCF-style: chr2-47798770-G-T. GRCh37 (hg19) VCF-style: chr2-48025909-G-T.
Other names: c.397G>T, p.Val133Leu (NM_001281492.2); c.-120G>T (NM_001281493.2, NM_001281494.2); short protein forms V263L, V133L.
Identifiers: ClinVar variation 950784 (VCV000950784.9), dbSNP rs1064794127, ClinGen allele CA346740274.

ClinVar aggregate classification (germline): Uncertain significance. Review status: criteria provided, multiple submitters, no conflicts (2 of 4 stars). 2 submissions from 2 submitters: Uncertain significance (2). Last evaluated 2024-05-26.

Conditions:
Hereditary cancer-predisposing syndrome. Also called: Tumor predisposition; Hereditary neoplastic syndrome; Neoplastic Syndromes, Hereditary; Hereditary Cancer Syndrome. Identifiers: Orphanet 140162, MedGen C0027672, MeSH D009386, MONDO:0015356.
Hereditary nonpolyposis colorectal neoplasms. Identifiers: MedGen C0009405, MeSH D003123.

Submissions (2):

Ambry Genetics
Classification: Uncertain significance for Hereditary cancer-predisposing syndrome. Last evaluated: 2024-05-26. Review status: criteria provided, single submitter. Criteria: Ambry Variant Classification Scheme 2023. Collection method: clinical testing. Allele origin: germline.
Comment: The p.V263L variant (also known as c.787G>T), located in coding exon 4 of the MSH6 gene, results from a G to T substitution at nucleotide position 787. The valine at codon 263 is replaced by leucine, an amino acid with highly similar properties. This amino acid position is conserved. In addition, the in silico prediction for this alteration is inconclusive. Based on the available evidence, the clinical significance of this variant remains unclear.

Labcorp Genetics (formerly Invitae), Labcorp
Classification: Uncertain significance for Hereditary nonpolyposis colorectal neoplasms. Last evaluated: 2023-12-15. Review status: criteria provided, single submitter. Criteria: Invitae Variant Classification Sherloc (09022015). Collection method: clinical testing. Allele origin: germline.
Comment: This sequence change replaces valine, which is neutral and non-polar, with leucine, which is neutral and non-polar, at codon 263 of the MSH6 protein (p.Val263Leu). This variant is not present in population databases (gnomAD no frequency). This variant has not been reported in the literature in individuals affected with MSH6-related conditions. ClinVar contains an entry for this variant (Variation ID: 950784). Advanced modeling of protein sequence and biophysical properties (such as structural, functional, and spatial information, amino acid conservation, physicochemical variation, residue mobility, and thermodynamic stability) performed at Invitae indicates that this missense variant is not expected to disrupt MSH6 protein function with a negative predictive value of 95%. In summary, the available evidence is currently insufficient to determine the role of this variant in disease. Therefore, it has been classified as a Variant of Uncertain Significance.